The following is an entry in ClinVar:

ClinVar aggregate classification (germline): Uncertain significance (1 of 4 stars; one submission).

gnomAD v4.1: 1 of 1,613,942 alleles (0.000062%); highest among the groups gnomAD compares: Non-Finnish European, 0.000085%; no homozygotes.

Submission:

Mayo Clinic Laboratories, Mayo Clinic
Classification: Uncertain significance. Last evaluated: 2025-08-18. Review status: criteria provided, single submitter. Criteria: ACMG Guidelines, 2015. Collection method: clinical testing. Allele origin: germline. Observed: 1 variant allele.
Comment: PP3_moderate

NM_032581.4(HYCC1):c.178C>T (p.Leu60Phe)

Gene: HYCC1 (hyccin PI4KA lipid kinase complex subunit 1; minus strand). Cytogenetic location: 7p15.3.
Variant type: single nucleotide variant.
Coding change: c.178C>T on transcript NM_032581.4 (MANE Select); coding-DNA position 178, C replaced by T.
Protein change: p.Leu60Phe; replaces leucine 60 with phenylalanine.
Molecular consequence: missense variant.
Genome position (GRCh38, 1-based): chr7:22,978,424, G>A on the plus strand (C>T on the coding strand, the complement: HYCC1 is on the minus strand). VCF-style: chr7-22978424-G-A. GRCh37 (hg19) VCF-style: chr7-23018043-G-A.
Other names: p.Leu60Phe; c.178C>T, p.Leu60Phe (NM_001363466.2, NM_001363467.2); short protein forms L60F.
Identifiers: ClinVar variation 4541269 (VCV004541269.1).